The following is an entry in ClinVar:

NM_000393.5(COL5A2):c.3338G>A (p.Gly1113Asp)

Gene: COL5A2 (collagen type V alpha 2 chain; minus strand). Cytogenetic location: 2q32.2.
Variant type: single nucleotide variant.
Coding change: c.3338G>A on transcript NM_000393.5 (MANE Select); coding-DNA position 3338, G replaced by A.
Protein change: p.Gly1113Asp; replaces glycine 1113 with aspartic acid.
Molecular consequence: missense variant.
Genome position (GRCh38, 1-based): chr2:189,045,204, C>T on the plus strand (G>A on the coding strand, the complement: COL5A2 is on the minus strand). VCF-style: chr2-189045204-C-T. GRCh37 (hg19) VCF-style: chr2-189909930-C-T.
Other names: short protein forms G1113D.
Identifiers: ClinVar variation 3642176 (VCV003642176.2).

ClinVar aggregate classification (germline): Uncertain significance (1 of 4 stars; one submission).

Conditions:
Ehlers-Danlos syndrome, classic type, 1 (EDSCL1). Also called: EHLERS-DANLOS SYNDROME, GRAVIS TYPE; EHLERS-DANLOS SYNDROME, SEVERE CLASSIC TYPE; Ehlers-Danlos syndrome, type 1; Ehlers-Danlos Syndrome, Classic Type, COL5A1-Related; EDS I. Identifiers: MedGen C0268335, MONDO:0019567, OMIM 130000.

Submission:

Labcorp Genetics (formerly Invitae), Labcorp
Classification: Uncertain significance for Ehlers-Danlos syndrome, classic type, 1. Last evaluated: 2024-02-17. Review status: criteria provided, single submitter. Criteria: Invitae Variant Classification Sherloc (09022015). Collection method: clinical testing. Allele origin: germline.
Comment: This sequence change replaces glycine, which is neutral and non-polar, with aspartic acid, which is acidic and polar, at codon 1113 of the COL5A2 protein (p.Gly1113Asp). This variant is not present in population databases (gnomAD no frequency). This variant has not been reported in the literature in individuals affected with COL5A2-related conditions. Advanced modeling of protein sequence and biophysical properties (such as structural, functional, and spatial information, amino acid conservation, physicochemical variation, residue mobility, and thermodynamic stability) performed at Invitae indicates that this missense variant is expected to disrupt COL5A2 protein function with a positive predictive value of 80%. In summary, the available evidence is currently insufficient to determine the role of this variant in disease. Therefore, it has been classified as a Variant of Uncertain Significance.